The following is an entry in ClinVar:

ClinVar aggregate classification (germline): Likely pathogenic (1 of 4 stars; one submission).

Conditions:
Joubert syndrome 23 (JBTS23). Identifiers: Orphanet 475, MedGen C4084822, MONDO:0014664, OMIM 616490.
Short-rib thoracic dysplasia 14 with polydactyly (SRTD14). Identifiers: Orphanet 397715, MedGen C4225286, MONDO:0014688, OMIM 616546.

gnomAD v4.1: 2 of 1,549,460 alleles (0.00013%); highest among the groups gnomAD compares: African/African-American, 0.0028%; no homozygotes.

Submission:

Labcorp Genetics (formerly Invitae), Labcorp
Classification: Likely pathogenic for Joubert syndrome 23; Short-rib thoracic dysplasia 14 with polydactyly. Last evaluated: 2025-10-30. Review status: criteria provided, single submitter. Criteria: Invitae Variant Classification Sherloc (09022015). Collection method: clinical testing. Allele origin: germline.
Comment: This sequence change affects a donor splice site in intron 16 of the KIAA0586 gene. It is expected to disrupt RNA splicing. Variants that disrupt the donor or acceptor splice site typically lead to a loss of protein function (PMID: 16199547), and loss-of-function variants in KIAA0586 are known to be pathogenic (PMID: 26096313, 26166481, 26386044). This variant is present in population databases (no rsID available, gnomAD 0.01%). This variant has not been reported in the literature in individuals affected with KIAA0586-related conditions. Algorithms developed to predict the effect of sequence changes on RNA splicing suggest that this variant may disrupt the consensus splice site. In summary, the currently available evidence indicates that the variant is pathogenic, but additional data are needed to prove that conclusively. Therefore, this variant has been classified as Likely Pathogenic.

Literature cited by the submitters: PubMed 16199547; PubMed 26096313; PubMed 26166481; PubMed 26386044.

NM_001329943.3(KIAA0586):c.2059+1G>A

Gene: KIAA0586 (KIAA0586; plus strand). Cytogenetic location: 14q23.1.
Variant type: single nucleotide variant.
Coding change: c.2059+1G>A on transcript NM_001329943.3 (MANE Select); the canonical splice donor site of the intron after coding-DNA position 2059, G replaced by A.
Molecular consequence: splice donor variant.
Genome position (GRCh38, 1-based): chr14:58,461,161, G>A. VCF-style: chr14-58461161-G-A. GRCh37 (hg19) VCF-style: chr14-58927879-G-A.
Other names: c.2218+1G>A (NM_001244189.2); c.2014+1G>A (NM_001244190.2); c.1927+1G>A (NM_001244192.2); c.1804+1G>A (NM_001244191.2, NM_001364701.2, NM_001329945.2 and 1 more transcripts); c.2059+1G>A (NM_001329944.2, NM_001329946.2, NM_001329947.2); c.1831+1G>A (NM_014749.5); c.1639+1G>A (NM_001244193.2).
Identifiers: ClinVar variation 4794319 (VCV004794319.1).